The following is an entry in ClinVar:

NM_004415.4(DSP):c.3490A>C (p.Ile1164Leu)

Gene: DSP (desmoplakin; plus strand). Cytogenetic location: 6p24.3.
Variant type: single nucleotide variant.
Coding change: c.3490A>C on transcript NM_004415.4 (MANE Select); coding-DNA position 3490, A replaced by C.
Protein change: p.Ile1164Leu; replaces isoleucine 1164 with leucine.
Molecular consequence: missense variant.
Genome position (GRCh38, 1-based): chr6:7,579,680, A>C. VCF-style: chr6-7579680-A-C. GRCh37 (hg19) VCF-style: chr6-7579913-A-C.
Other names: c.3490A>C, p.Ile1164Leu (NM_001008844.3, NM_001319034.2); short protein forms I1164L.
Identifiers: ClinVar variation 2567516 (VCV002567516.3), dbSNP rs2533923939, ClinGen allele CA362684181.

ClinVar aggregate classification (germline): Conflicting classifications of pathogenicity. Review status: criteria provided, conflicting classifications (1 of 4 stars). 2 submissions from 2 submitters: Uncertain significance (1); Likely benign (1). Last evaluated 2024-09-03.

Conditions:
Cardiomyopathy (CMYO). Also called: Cardiomyopathies. Identifiers: Orphanet 167848, MedGen C0878544, MONDO:0004994, HP:0001638. Inheritance: Various modes of inheritance.
Cardiovascular phenotype. Identifiers: MedGen CN230736.

Submissions (2):

Color Diagnostics, LLC DBA Color Health
Classification: Likely benign for Cardiomyopathy. Last evaluated: 2024-09-03. Review status: criteria provided, single submitter. Criteria: ACMG Guidelines, 2015. Collection method: clinical testing. Allele origin: germline.

Ambry Genetics
Classification: Uncertain significance for Cardiovascular phenotype. Last evaluated: 2023-03-23. Review status: criteria provided, single submitter. Criteria: Ambry Variant Classification Scheme 2023. Collection method: clinical testing. Allele origin: germline.
Comment: The p.I1164L variant (also known as c.3490A>C), located in coding exon 23 of the DSP gene, results from an A to C substitution at nucleotide position 3490. The isoleucine at codon 1164 is replaced by leucine, an amino acid with highly similar properties. This amino acid position is conserved. In addition, the in silico prediction for this alteration is inconclusive. Since supporting evidence is limited at this time, the clinical significance of this alteration remains unclear.